The following is an entry in ClinVar:

NM_173685.4(NSMCE2):c.519+5C>T

Gene: NSMCE2 (NSE2 (MMS21) homolog, SMC5-SMC6 complex SUMO ligase; plus strand). Cytogenetic location: 8q24.13.
Variant type: single nucleotide variant.
Coding change: c.519+5C>T on transcript NM_173685.4 (MANE Select); 5 bases into the intron after coding-DNA position 519, C replaced by T.
Molecular consequence: intron variant.
Genome position (GRCh38, 1-based): chr8:125,357,324, C>T. VCF-style: chr8-125357324-C-T. GRCh37 (hg19) VCF-style: chr8-126369566-C-T.
Other names: c.519+5C>T (NM_001349486.2, NM_001349485.2).
Identifiers: ClinVar variation 1896568 (VCV001896568.3), dbSNP rs770886768, ClinGen allele CA4874416.

ClinVar aggregate classification (germline): Uncertain significance (1 of 4 stars; one submission).

Allele frequency attached by ClinVar (database versions not stated): gnomAD 0.00001; ExAC 0.00002.
gnomAD v4.1: 19 of 1,556,764 alleles (0.0012%); highest among the groups gnomAD compares: East Asian, 0.0045%; no homozygotes.

Submission:

Labcorp Genetics (formerly Invitae), Labcorp
Classification: Uncertain significance. Last evaluated: 2023-09-07. Review status: criteria provided, single submitter. Criteria: Invitae Variant Classification Sherloc (09022015). Collection method: clinical testing. Allele origin: germline.
Comment: This sequence change falls in intron 6 of the NSMCE2 gene. It does not directly change the encoded amino acid sequence of the NSMCE2 protein. It affects a nucleotide within the consensus splice site. This variant is present in population databases (rs770886768, gnomAD 0.01%). This variant has not been reported in the literature in individuals affected with NSMCE2-related conditions. ClinVar contains an entry for this variant (Variation ID: 1896568). Variants that disrupt the consensus splice site are a relatively common cause of aberrant splicing (PMID: 17576681, 9536098). Algorithms developed to predict the effect of sequence changes on RNA splicing suggest that this variant is not likely to affect RNA splicing. In summary, the available evidence is currently insufficient to determine the role of this variant in disease. Therefore, it has been classified as a Variant of Uncertain Significance.

Literature cited by the submitters: PubMed 17576681; PubMed 9536098.